The following is an entry in ClinVar:

NM_000090.4(COL3A1):c.707C>T (p.Pro236Leu)

Gene: COL3A1 (collagen type III alpha 1 chain; plus strand). Cytogenetic location: 2q32.2.
Variant type: single nucleotide variant.
Coding change: c.707C>T on transcript NM_000090.4 (MANE Select); coding-DNA position 707, C replaced by T.
Protein change: p.Pro236Leu; replaces proline 236 with leucine.
Molecular consequence: missense variant.
Genome position (GRCh38, 1-based): chr2:188,990,112, C>T. VCF-style: chr2-188990112-C-T. GRCh37 (hg19) VCF-style: chr2-189854838-C-T.
Other names: short protein forms P236L.
Identifiers: ClinVar variation 3021499 (VCV003021499.3), dbSNP rs1688155159, ClinGen allele CA349849000.

ClinVar aggregate classification (germline): Uncertain significance. Review status: criteria provided, multiple submitters, no conflicts (2 of 4 stars). 2 submissions from 2 submitters: Uncertain significance (2). Last evaluated 2024-01-25.

Conditions:
Ehlers-Danlos syndrome, type 4 (EDSVASC). Also called: Ehlers-Danlos Syndrome Type IV; Ehlers-Danlos syndrome vascular type; Ehlers Danlos syndrome, ecchymotic type; Ehlers Danlos syndrome, arterial type; Ehlers Danlos syndrome, Sack-Barabas type. Identifiers: Orphanet 286, MedGen C0268338, MONDO:0017314, OMIM 130050.

Submissions (2):

Labcorp Genetics (formerly Invitae), Labcorp
Classification: Uncertain significance for Ehlers-Danlos syndrome, type 4. Last evaluated: 2024-01-25. Review status: criteria provided, single submitter. Criteria: Invitae Variant Classification Sherloc (09022015). Collection method: clinical testing. Allele origin: germline.
Comment: This sequence change replaces proline, which is neutral and non-polar, with leucine, which is neutral and non-polar, at codon 236 of the COL3A1 protein (p.Pro236Leu). This variant is not present in population databases (gnomAD no frequency). This variant has not been reported in the literature in individuals affected with COL3A1-related conditions. Advanced modeling of protein sequence and biophysical properties (such as structural, functional, and spatial information, amino acid conservation, physicochemical variation, residue mobility, and thermodynamic stability) has been performed at Invitae for this missense variant, however the output from this modeling did not meet the statistical confidence thresholds required to predict the impact of this variant on COL3A1 protein function. In summary, the available evidence is currently insufficient to determine the role of this variant in disease. Therefore, it has been classified as a Variant of Uncertain Significance.

All of Us Research Program, National Institutes of Health
Classification: Uncertain significance for Ehlers-Danlos syndrome, type 4. Last evaluated: 2023-10-23. Review status: criteria provided, single submitter. Criteria: ACMG Guidelines, 2015. Collection method: clinical testing. Allele origin: germline. Inheritance: Autosomal dominant inheritance. Observed: 1 variant allele, 1 heterozygote.
Comment: This missense variant replaces proline with leucine at codon 236 of the COL3A1 protein. Computational prediction suggests that this variant may have deleterious impact on protein structure and function (internally defined REVEL score threshold >= 0.7, PMID: 27666373). To our knowledge, functional studies have not been reported for this variant. This variant has not been reported in individuals affected with COL3A1-related disorders in the literature. This variant has not been identified in the general population by the Genome Aggregation Database (gnomAD). The available evidence is insufficient to determine the role of this variant in disease conclusively. Therefore, this variant is classified as a Variant of Uncertain Significance.

This study involves interpretation of variants in research participants for the purpose of population health screening. Participant phenotype was not available at the time of variant classification. Additional details can be found in publication PMID: 35346344, PMCID: PMC8962531